The following is an entry in ClinVar:

NM_006031.6(PCNT):c.3963A>C (p.Ala1321=)

Gene: PCNT (pericentrin; plus strand). Cytogenetic location: 21q22.3.
Variant type: single nucleotide variant.
Coding change: c.3963A>C on transcript NM_006031.6 (MANE Select); coding-DNA position 3963, A replaced by C.
Protein change: p.Ala1321=; no amino-acid change (alanine 1321 retained).
Molecular consequence: synonymous variant.
Genome position (GRCh38, 1-based): chr21:46,390,792, A>C. VCF-style: chr21-46390792-A-C. GRCh37 (hg19) VCF-style: chr21-47810707-A-C.
Other names: c.3609A>C, p.Ala1203= (NM_001315529.2); c.3963A>C (NM_006031.5).
Identifiers: ClinVar variation 1674832 (VCV001674832.9), dbSNP rs1269271029, ClinGen allele CA512738901.

ClinVar aggregate classification (germline): Likely benign. Review status: criteria provided, multiple submitters, no conflicts (2 of 4 stars). 2 submissions from 2 submitters: Likely benign (2). Last evaluated 2026-03-06.

Conditions:
PCNT-related disorder. Also called: PCNT-related condition.

Allele frequency attached by ClinVar (database versions not stated): gnomAD exomes below 0.00001; TOPMed below 0.00001; gnomAD 0.00001.
gnomAD v4.1: 2 of 1,611,998 alleles (0.00012%); highest among the groups gnomAD compares: Admixed American, 0.0033%; no homozygotes.

Submissions (2):

PreventionGenetics, part of Exact Sciences
Classification: Likely benign for PCNT-related condition. Last evaluated: 2026-03-06. Review status: criteria provided, single submitter. Criteria: ACMG Guidelines, 2015. Collection method: clinical testing. Allele origin: germline.
Comment: This variant is classified as likely benign based on ACMG/AMP sequence variant interpretation guidelines (Richards et al. 2015 PMID: 25741868, with internal and published modifications).

Labcorp Genetics (formerly Invitae), Labcorp
Classification: Likely benign. Last evaluated: 2024-02-24. Review status: criteria provided, single submitter. Criteria: Invitae Variant Classification Sherloc (09022015). Collection method: clinical testing. Allele origin: germline.